The following is an entry in ClinVar:

ClinVar aggregate classification (germline): Uncertain significance (1 of 4 stars; one submission).

Allele frequency attached by ClinVar (database versions not stated): gnomAD exomes 0.00001; ExAC 0.00002; gnomAD 0.00002; TOPMed 0.00002; ESP Exome Variant Server 0.00015.
gnomAD v4.1: 8 of 1,609,410 alleles (0.0005%); highest among the groups gnomAD compares: Non-Finnish European, 0.00068%; no homozygotes.

Submission:

GeneDx
Classification: Uncertain significance. Last evaluated: 2025-07-11. Review status: criteria provided, single submitter. Criteria: GeneDx Variant Classification Process June 2021. Collection method: clinical testing. Allele origin: germline. Affected: yes.
Comment: Not observed at significant frequency in large population cohorts (gnomAD); In silico analysis supports that this missense variant has a deleterious effect on protein structure/function; Has not been previously published as pathogenic or benign to our knowledge

NM_058004.4(PI4KA):c.4532C>T (p.Ser1511Leu)

Gene: PI4KA (phosphatidylinositol 4-kinase alpha; minus strand). Cytogenetic location: 22q11.21.
Variant type: single nucleotide variant.
Coding change: c.4532C>T on transcript NM_058004.4 (MANE Select); coding-DNA position 4532, C replaced by T.
Protein change: p.Ser1511Leu; replaces serine 1511 with leucine.
Molecular consequence: missense variant.
Genome position (GRCh38, 1-based): chr22:20,729,463, G>A on the plus strand (C>T on the coding strand, the complement: PI4KA is on the minus strand). VCF-style: chr22-20729463-G-A. GRCh37 (hg19) VCF-style: chr22-21083751-G-A.
Other names: c.4439C>T, p.Ser1480Leu (NM_001362862.2); c.4466C>T, p.Ser1489Leu (NM_001362863.2); short protein forms S1480L, S1489L, S1511L.
Identifiers: ClinVar variation 1711951 (VCV001711951.3), dbSNP rs373527421, ClinGen allele CA10115032.